The following is an entry in ClinVar:

ClinVar aggregate classification (germline): Benign/Likely benign. Review status: criteria provided, multiple submitters, no conflicts (2 of 4 stars). 5 submissions from 5 submitters: Benign (1); Likely benign (4). Last evaluated 2025-03-04.

Conditions:
Breast-ovarian cancer, familial, susceptibility to, 3. Also called: RAD51C-Related Breast/Ovarian Cancer. Identifiers: Orphanet 145, MedGen C3150659, MONDO:0013253, OMIM 613399.
Hereditary cancer-predisposing syndrome. Also called: Tumor predisposition; Neoplastic Syndromes, Hereditary; Hereditary Cancer Syndrome; Hereditary neoplastic syndrome. Identifiers: Orphanet 140162, MedGen C0027672, MeSH D009386, MONDO:0015356.
Fanconi anemia complementation group O. Also called: RAD51C-Related Fanconi Anemia. Identifiers: Orphanet 84, MedGen C3150653, MONDO:0013248, OMIM 613390.

Submissions (5):

Center for Genomic Medicine, Rigshospitalet, Copenhagen University Hospital
Classification: Likely benign. Last evaluated: 2025-03-04. Review status: criteria provided, single submitter. Criteria: ACMG Guidelines, 2015. Collection method: clinical testing. Allele origin: germline.

Myriad Genetics, Inc.
Classification: Benign for Breast-ovarian cancer, familial, susceptibility to, 3. Last evaluated: 2025-02-19. Review status: criteria provided, single submitter. Criteria: Myriad Autosomal Dominant, Autosomal Recessive and X-Linked Classification Criteria (2023). Collection method: clinical testing. Allele origin: unknown.
Comment: This variant is considered benign. This variant is a silent/synonymous amino acid change and it is not expected to impact splicing.

Labcorp Genetics (formerly Invitae), Labcorp
Classification: Likely benign for Fanconi anemia complementation group O. Last evaluated: 2024-05-22. Review status: criteria provided, single submitter. Criteria: Invitae Variant Classification Sherloc (09022015). Collection method: clinical testing. Allele origin: germline.

Ambry Genetics
Classification: Likely benign for Hereditary cancer-predisposing syndrome. Last evaluated: 2020-03-27. Review status: criteria provided, single submitter. Criteria: Ambry Variant Classification Scheme 2023. Collection method: clinical testing. Allele origin: germline.

Color Diagnostics, LLC DBA Color Health
Classification: Likely benign for Hereditary cancer-predisposing syndrome. Last evaluated: 2017-03-28. Review status: criteria provided, single submitter. Criteria: ACMG Guidelines, 2015. Collection method: clinical testing. Allele origin: germline.

NM_058216.3(RAD51C):c.774T>C (p.Arg258=)

Gene: RAD51C (RAD51 paralog C; plus strand). Cytogenetic location: 17q22.
Variant type: single nucleotide variant.
Coding change: c.774T>C on transcript NM_058216.3 (MANE Select); coding-DNA position 774, T replaced by C.
Protein change: p.Arg258=; no amino-acid change (arginine 258 retained).
Molecular consequence: synonymous variant. On other transcripts: non-coding transcript variant (1).
Genome position (GRCh38, 1-based): chr17:58,709,927, T>C. VCF-style: chr17-58709927-T-C. GRCh37 (hg19) VCF-style: chr17-56787288-T-C.
Identifiers: ClinVar variation 492381 (VCV000492381.16), dbSNP rs1555599197, ClinGen allele CA501075590.